The following is an entry in ClinVar:

NM_000057.4(BLM):c.3620_3621del (p.Lys1207fs)

Gene: BLM (BLM RecQ like helicase; plus strand). Cytogenetic location: 15q26.1.
Variant type: Deletion.
Coding change: c.3620_3621del on transcript NM_000057.4 (MANE Select); coding-DNA positions 3620 to 3621, 2 bases deleted (AA; older notation c.3620_3621delAA).
Protein change: p.Lys1207fs; shifts the reading frame from lysine 1207.
Molecular consequence: frameshift variant. On other transcripts: intron variant (1).
Genome position (GRCh38, 1-based): chr15:90,804,228-90,804,229, AA deleted; deleting any 2 consecutive bases within chr15:90,804,226-90,804,229 gives the same sequence; the c. name uses the placement nearest the transcript's 3' end. VCF-style (leftmost placement, unchanged base first): chr15-90804225-CAA-C. GRCh37 (hg19) VCF-style: chr15-91347455-CAA-C.
Other names: c.3620_3621del, p.Lys1207fs (NM_001287246.2); c.2495_2496del, p.Lys832fs (NM_001287248.2); c.3359-4909_3359-4908del (NM_001287247.2); short protein forms K1207fs, K832fs.
Identifiers: ClinVar variation 4710207 (VCV004710207.3).

ClinVar aggregate classification (germline): Pathogenic. Review status: criteria provided, multiple submitters, no conflicts (2 of 4 stars). 3 submissions from 3 submitters: Pathogenic (3). Last evaluated 2025-10-28.

Conditions:
Bloom syndrome (BLM). Also called: Bloom-Torre-Machacek syndrome. Identifiers: Orphanet 125, MedGen C0005859, MONDO:0008876, OMIM 210900.
BLM-related disorder. Also called: BLM-related condition.

Submissions (3):

Myriad Genetics, Inc.
Classification: Pathogenic for Bloom syndrome. Last evaluated: 2025-10-28. Review status: criteria provided, single submitter. Criteria: Myriad Autosomal Dominant, Autosomal Recessive and X-Linked Classification Criteria (2023). Collection method: clinical testing. Allele origin: unknown.
Comment: NM_000057.3(BLM):c.3620_3621delAA(K1207Sfs*9) is a frameshift classified as pathogenic in the context of Bloom syndrome. K1207Sfs*9 has been observed in a case with relevant disease (PMID:25129257). Relevant functional assessments of this variant are not available in the literature. K1207Sfs*9 has not been observed in referenced population frequency databases. In summary, NM_000057.3(BLM):c.3620_3621delAA(K1207Sfs*9) is a frameshift in a gene where loss of function is a known mechanism of disease, is predicted to disrupt protein function, and has been observed more frequently in cases with the relevant disease than in healthy populations. Please note: this variant was assessed in the context of healthy population screening.

Labcorp Genetics (formerly Invitae), Labcorp
Classification: Pathogenic for Bloom syndrome. Last evaluated: 2025-10-12. Review status: criteria provided, single submitter. Criteria: Invitae Variant Classification Sherloc (09022015). Collection method: clinical testing. Allele origin: germline.
Comment: This sequence change creates a premature translational stop signal (p.Lys1207Serfs*9) in the BLM gene. It is expected to result in an absent or disrupted protein product. Loss-of-function variants in BLM are known to be pathogenic (PMID: 17407155). This variant is not present in population databases (gnomAD no frequency). This premature translational stop signal has been observed in individual(s) with Bloom syndrome (PMID: 25129257). This variant is also known as c.3617-3619delAA. Algorithms developed to predict the effect of sequence changes on RNA splicing suggest that this variant may disrupt the consensus splice site. For these reasons, this variant has been classified as Pathogenic.

Blueprint Genetics
Classification: Pathogenic for BLM-related disorders. Last evaluated: 2018-03-16. Review status: criteria provided, single submitter. Criteria: ACMG Guidelines, 2015. Collection method: clinical testing. Allele origin: germline. Affected: yes. Observed: 1 variant allele.

Literature cited by the submitters: PubMed 25129257 (cited by Myriad Genetics, Inc. and Labcorp Genetics (formerly Invitae), Labcorp); PubMed 17407155 (cited by Labcorp Genetics (formerly Invitae), Labcorp).